The following is an entry in ClinVar:

NM_017780.4(CHD7):c.2147A>C (p.Lys716Thr)

Gene: CHD7 (chromodomain helicase DNA binding protein 7; plus strand). Cytogenetic location: 8q12.2.
Variant type: single nucleotide variant.
Coding change: c.2147A>C on transcript NM_017780.4 (MANE Select); coding-DNA position 2147, A replaced by C.
Protein change: p.Lys716Thr; replaces lysine 716 with threonine.
Molecular consequence: missense variant. On other transcripts: intron variant (1).
Genome position (GRCh38, 1-based): chr8:60,795,036, A>C. VCF-style: chr8-60795036-A-C. GRCh37 (hg19) VCF-style: chr8-61707595-A-C.
Other names: c.1716+13986A>C (NM_001316690.1); short protein forms K716T.
Identifiers: ClinVar variation 3351799 (VCV003351799.3).

ClinVar aggregate classification (germline): Uncertain significance. Review status: criteria provided, single submitter (1 of 4 stars). 2 submissions from 2 submitters: Uncertain significance (1). 1 of the submissions does not count toward it. Last evaluated 2024-06-22.

Conditions:
CHD7-related disorder. Also called: CHD7-related condition.
CHARGE syndrome (CHARGE). Also called: Hittner Hirsch Kreh syndrome; CHARGE ASSOCIATION--COLOBOMA, HEART ANOMALY, CHOANAL ATRESIA, RETARDATION, GENITAL AND EAR ANOMALIES; Coloboma, heart anomaly, choanal atresia, retardation, genital and ear anomalies; CHARGE association; Hall-Hittner syndrome. Identifiers: Orphanet 138, MedGen C0265354, MONDO:0008965.

gnomAD v4.1: 16 of 1,613,714 alleles (0.00099%); highest among the groups gnomAD compares: Non-Finnish European, 0.0014%; no homozygotes.

Submissions (2):

Labcorp Genetics (formerly Invitae), Labcorp
Classification: Uncertain significance for CHARGE syndrome. Last evaluated: 2024-06-22. Review status: criteria provided, single submitter. Criteria: Invitae Variant Classification Sherloc (09022015). Collection method: clinical testing. Allele origin: germline.
Comment: This sequence change replaces lysine, which is basic and polar, with threonine, which is neutral and polar, at codon 716 of the CHD7 protein (p.Lys716Thr). This variant is present in population databases (rs777635988, gnomAD 0.002%). This variant has not been reported in the literature in individuals affected with CHD7-related conditions. Advanced modeling of protein sequence and biophysical properties (such as structural, functional, and spatial information, amino acid conservation, physicochemical variation, residue mobility, and thermodynamic stability) performed at Invitae indicates that this missense variant is expected to disrupt CHD7 protein function with a positive predictive value of 80%. In summary, the available evidence is currently insufficient to determine the role of this variant in disease. Therefore, it has been classified as a Variant of Uncertain Significance.

PreventionGenetics, part of Exact Sciences
Classification: Uncertain significance for CHD7-related condition. Last evaluated: 2024-04-04. Review status: no assertion criteria provided. Collection method: clinical testing. Allele origin: germline. Not counted in ClinVar's aggregate classification.
Comment: The CHD7 c.2147A>C variant is predicted to result in the amino acid substitution p.Lys716Thr. To our knowledge, this variant has not been reported in the literature. This variant is reported in 0.0016% of alleles in individuals of European (Non-Finnish) descent in gnomAD. Although we suspect that this variant may be benign, at this time, the clinical significance of this variant is uncertain due to the absence of conclusive functional and genetic evidence.